The following is an entry in ClinVar:

ClinVar aggregate classification (germline): Uncertain significance. Review status: criteria provided, multiple submitters, no conflicts (2 of 4 stars). 3 submissions from 3 submitters: Uncertain significance (3). Last evaluated 2025-04-09.

Conditions:
Ichthyosis linearis circumflexa. Identifiers: MedGen C0265962, MONDO:0043106, HP:0025810.
Netherton syndrome (NETH). Also called: NETHERTON DISEASE; ERYTHRODERMA, ICHTHYOSIFORM, WITH HYPOTRICHOSIS AND HYPER-IgE; COMEL-NETHERTON SYNDROME. Identifiers: Orphanet 634, MedGen C5574950, MONDO:0009735, OMIM 256500.

Allele frequency attached by ClinVar (database versions not stated): gnomAD exomes 0.00003 and 0.00006; gnomAD 0.00004 and 0.00005; TOPMed 0.00004; ExAC 0.00010.
gnomAD v4.1: 51 of 1,610,906 alleles (0.0032%); highest among the groups gnomAD compares: Non-Finnish European, 0.00059%; no homozygotes.

Submissions (3):

Labcorp Genetics (formerly Invitae), Labcorp
Classification: Uncertain significance for Ichthyosis linearis circumflexa. Last evaluated: 2025-04-09. Review status: criteria provided, single submitter. Criteria: Invitae Variant Classification Sherloc (09022015). Collection method: clinical testing. Allele origin: germline.
Comment: This sequence change replaces leucine, which is neutral and non-polar, with phenylalanine, which is neutral and non-polar, at codon 202 of the SPINK5 protein (p.Leu202Phe). This variant is present in population databases (rs750627345, gnomAD 0.1%). This variant has not been reported in the literature in individuals affected with SPINK5-related conditions. ClinVar contains an entry for this variant (Variation ID: 351516). Invitae Evidence Modeling of protein sequence and biophysical properties (such as structural, functional, and spatial information, amino acid conservation, physicochemical variation, residue mobility, and thermodynamic stability) indicates that this missense variant is not expected to disrupt SPINK5 protein function with a negative predictive value of 80%. In summary, the available evidence is currently insufficient to determine the role of this variant in disease. Therefore, it has been classified as a Variant of Uncertain Significance.

CeGaT Center for Human Genetics Tuebingen
Classification: Uncertain significance. Last evaluated: 2018-08-01. Review status: criteria provided, single submitter. Criteria: CeGaT Center For Human Genetics Tuebingen Variant Classification Criteria Version 2. Collection method: clinical testing. Allele origin: germline. Affected: yes. Observed: 1 variant allele.

Illumina Laboratory Services, Illumina
Classification: Uncertain significance for Netherton syndrome. Last evaluated: 2018-01-12. Review status: criteria provided, single submitter. Criteria: ICSL Variant Classification Criteria 13 December 2019. Collection method: clinical testing. Allele origin: germline.

NM_006846.4(SPINK5):c.606A>C (p.Leu202Phe)

Gene: SPINK5 (serine peptidase inhibitor Kazal type 5; plus strand). Cytogenetic location: 5q32.
Variant type: single nucleotide variant.
Coding change: c.606A>C on transcript NM_006846.4 (MANE Select); coding-DNA position 606, A replaced by C.
Protein change: p.Leu202Phe; replaces leucine 202 with phenylalanine.
Molecular consequence: missense variant.
Genome position (GRCh38, 1-based): chr5:148,091,168, A>C. VCF-style: chr5-148091168-A-C. GRCh37 (hg19) VCF-style: chr5-147470731-A-C.
Other names: c.606A>C, p.Leu202Phe (NM_001127698.2, NM_001127699.2); short protein forms L202F.
Identifiers: ClinVar variation 351516 (VCV000351516.52), dbSNP rs750627345, ClinGen allele CA3495289.